The following is an entry in ClinVar:

NM_005529.7(HSPG2):c.3504C>T (p.Cys1168=)

Gene: HSPG2 (heparan sulfate proteoglycan 2; minus strand). Cytogenetic location: 1p36.12.
Variant type: single nucleotide variant.
Coding change: c.3504C>T on transcript NM_005529.7 (MANE Select); coding-DNA position 3504, C replaced by T.
Protein change: p.Cys1168=; no amino-acid change (cysteine 1168 retained).
Molecular consequence: synonymous variant.
Genome position (GRCh38, 1-based): chr1:21,874,640, G>A on the plus strand (C>T on the coding strand, the complement: HSPG2 is on the minus strand). VCF-style: chr1-21874640-G-A. GRCh37 (hg19) VCF-style: chr1-22201133-G-A.
Other names: c.3507C>T, p.Cys1169= (NM_001291860.2).
Identifiers: ClinVar variation 1979215 (VCV001979215.28), dbSNP rs142789492, ClinGen allele CA672628.

ClinVar aggregate classification (germline): Likely benign. Review status: criteria provided, multiple submitters, no conflicts (2 of 4 stars). 2 submissions from 2 submitters: Likely benign (2). Last evaluated 2023-09-26.

Allele frequency attached by ClinVar (database versions not stated): ExAC 0.00003; TOPMed 0.00003; gnomAD exomes 0.00004; gnomAD 0.00005; ESP Exome Variant Server 0.00008; 1000 Genomes Project 30x 0.00016; 1000 Genomes Project 0.00020.
gnomAD v4.1: 70 of 1,613,608 alleles (0.0043%); highest among the groups gnomAD compares: East Asian, 0.0089%; no homozygotes.

Submissions (2):

Labcorp Genetics (formerly Invitae), Labcorp
Classification: Likely benign. Last evaluated: 2023-09-26. Review status: criteria provided, single submitter. Criteria: Invitae Variant Classification Sherloc (09022015). Collection method: clinical testing. Allele origin: germline.

CeGaT Center for Human Genetics Tuebingen
Classification: Likely benign. Last evaluated: 2023-04-01. Review status: criteria provided, single submitter. Criteria: CeGaT Center For Human Genetics Tuebingen Variant Classification Criteria Version 2. Collection method: clinical testing. Allele origin: germline. Affected: yes. Observed: 1 variant allele.
Comment: HSPG2: BP4, BP7